The following is an entry in ClinVar:

NM_133433.4(NIPBL):c.7906G>T (p.Glu2636Ter)

Gene: NIPBL (NIPBL cohesin loading factor; plus strand). Cytogenetic location: 5p13.2.
Variant type: single nucleotide variant.
Coding change: c.7906G>T on transcript NM_133433.4 (MANE Select); coding-DNA position 7906, G replaced by T.
Protein change: p.Glu2636Ter; replaces glutamic acid 2636 with a stop codon.
Molecular consequence: nonsense.
Genome position (GRCh38, 1-based): chr5:37,063,835, G>T. VCF-style: chr5-37063835-G-T. GRCh37 (hg19) VCF-style: chr5-37063937-G-T.
Other names: c.7906G>T, p.Glu2636Ter (NM_015384.5); short protein forms E2636*.
Identifiers: ClinVar variation 3657883 (VCV003657883.2).

ClinVar aggregate classification (germline): Pathogenic (1 of 4 stars; one submission).

Conditions:
Cornelia de Lange syndrome 1 (CDLS1). Also called: Brachmann de Lange syndrome; NIPBL-Related Cornelia de Lange Syndrome; TYPUS DEGENERATIVUS AMSTELODAMENSIS. Identifiers: Orphanet 199, MedGen C4551851, MONDO:0007387, OMIM 122470.

Submission:

Labcorp Genetics (formerly Invitae), Labcorp
Classification: Pathogenic for Cornelia de Lange syndrome 1. Last evaluated: 2024-06-26. Review status: criteria provided, single submitter. Criteria: Invitae Variant Classification Sherloc (09022015). Collection method: clinical testing. Allele origin: germline.
Comment: This sequence change creates a premature translational stop signal (p.Glu2636*) in the NIPBL gene. It is expected to result in an absent or disrupted protein product. Loss-of-function variants in NIPBL are known to be pathogenic (PMID: 15318302, 19763162, 23505322, 29995837). This variant is not present in population databases (gnomAD no frequency). This variant has not been reported in the literature in individuals affected with NIPBL-related conditions. For these reasons, this variant has been classified as Pathogenic.

Literature cited by the submitters: PubMed 15318302; PubMed 19763162; PubMed 23505322; PubMed 29995837.